The following is an entry in ClinVar:

NM_014314.4(RIGI):c.883T>C (p.Phe295Leu)

Gene: RIGI (RNA sensor RIG-I; minus strand). Cytogenetic location: 9p21.1.
Variant type: single nucleotide variant.
Coding change: c.883T>C on transcript NM_014314.4 (MANE Select); coding-DNA position 883, T replaced by C.
Protein change: p.Phe295Leu; replaces phenylalanine 295 with leucine.
Molecular consequence: missense variant.
Genome position (GRCh38, 1-based): chr9:32,488,804, A>G on the plus strand (T>C on the coding strand, the complement: RIGI is on the minus strand). VCF-style: chr9-32488804-A-G. GRCh37 (hg19) VCF-style: chr9-32488802-A-G.
Other names: c.883T>C, p.Phe295Leu (NM_001385907.1, NM_001385909.1); c.442T>C, p.Phe148Leu (NM_001385910.1); c.274T>C, p.Phe92Leu (NM_001385912.1); c.868T>C, p.Phe290Leu (NM_001385913.1); c.439T>C, p.Phe147Leu (NM_001385914.1); c.883T>C (NM_014314.3); short protein forms F295L, F92L, F290L, F147L, F148L.
Identifiers: ClinVar variation 1520563 (VCV001520563.9), dbSNP rs753311526, ClinGen allele CA5019967.

ClinVar aggregate classification (germline): Uncertain significance. Review status: criteria provided, multiple submitters, no conflicts (2 of 4 stars). 2 submissions from 2 submitters: Uncertain significance (2). Last evaluated 2025-12-08.

Conditions:
Inborn genetic diseases. Identifiers: MedGen C0950123, MeSH D030342.

Allele frequency attached by ClinVar (database versions not stated): gnomAD 0.00001; gnomAD exomes 0.00004 and 0.00007; ExAC 0.00008.
gnomAD v4.1: 57 of 1,613,388 alleles (0.0035%); highest among the groups gnomAD compares: South Asian, 0.06%; 2 homozygotes.

Submissions (2):

Labcorp Genetics (formerly Invitae), Labcorp
Classification: Uncertain significance. Last evaluated: 2025-12-08. Review status: criteria provided, single submitter. Criteria: Invitae Variant Classification Sherloc (09022015). Collection method: clinical testing. Allele origin: germline.
Comment: This sequence change replaces phenylalanine, which is neutral and non-polar, with leucine, which is neutral and non-polar, at codon 295 of the DDX58 protein (p.Phe295Leu). This variant is present in population databases (rs753311526, gnomAD 0.06%), and has an allele count higher than expected for a pathogenic variant. This variant has not been reported in the literature in individuals affected with DDX58-related conditions. ClinVar contains an entry for this variant (Variation ID: 1520563). Invitae Evidence Modeling of protein sequence and biophysical properties (such as structural, functional, and spatial information, amino acid conservation, physicochemical variation, residue mobility, and thermodynamic stability) has been performed for this missense variant. However, the output from this modeling did not meet the statistical confidence thresholds required to predict the impact of this variant on DDX58 protein function. In summary, the available evidence is currently insufficient to determine the role of this variant in disease. Therefore, it has been classified as a Variant of Uncertain Significance.

Ambry Genetics
Classification: Uncertain significance for Inborn genetic diseases. Last evaluated: 2025-04-12. Review status: criteria provided, single submitter. Criteria: Ambry Variant Classification Scheme 2023. Collection method: clinical testing. Allele origin: germline.